The following is an entry in ClinVar:

NM_213599.3(ANO5):c.2742_*3dup (p.Ter914_Ter(914_?)(?))

Gene: ANO5 (anoctamin 5; plus strand). Cytogenetic location: 11p14.3.
Variant type: Duplication.
Molecular consequence: frameshift variant, no sequence alteration (on NM_213599.3).
Genome position: GRCh38 VCF-style: chr11-22279763-T-TAATC. GRCh37 (hg19) VCF-style: chr11-22301309-T-TAATC.
Other names: c.2739_*3dup, p.Ter913_Ter(913_?)(?) (NM_001142649.2); c.2700_*3dup, p.Ter900_Ter(900_?)(?) (NM_001410963.1); c.2697_*3dup, p.Ter899_Ter(899_?)(?) (NM_001410964.1); c.2742_*3dup, p.Ter914_Ter(914_?)(?) (NM_213599.3).
Identifiers: ClinVar variation 1982851 (VCV001982851.4), dbSNP rs1002442246, ClinGen allele CA218779663.

ClinVar aggregate classification (germline): Uncertain significance (1 of 4 stars; one submission).

Conditions:
Gnathodiaphyseal dysplasia (GDD). Also called: GNATHODIAPHYSEAL SCLEROSIS; OSTEOGENESIS IMPERFECTA WITH UNUSUAL SKELETAL LESIONS. Identifiers: Orphanet 53697, MedGen C1833736, MONDO:0008151, OMIM 166260.
Autosomal recessive limb-girdle muscular dystrophy type 2L (LGMDR12). Also called: Limb-Girdle Muscular Dystrophy R12 Anoctamin-5-Related (LGMD-R12); MUSCULAR DYSTROPHY, LIMB-GIRDLE, AUTOSOMAL RECESSIVE 12; Limb-girdle muscular dystrophy, type 2L. Identifiers: Orphanet 206549, MedGen C1969785, MONDO:0012652, OMIM 611307.

Submission:

Labcorp Genetics (formerly Invitae), Labcorp
Classification: Uncertain significance for Autosomal recessive limb-girdle muscular dystrophy type 2L; Gnathodiaphyseal dysplasia. Last evaluated: 2023-10-10. Review status: criteria provided, single submitter. Criteria: Invitae Variant Classification Sherloc (09022015). Collection method: clinical testing. Allele origin: germline.
Comment: This variant occurs in a non-coding region of the ANO5 gene. It does not change the encoded amino acid sequence of the ANO5 protein. This variant is present in population databases (no rsID available, gnomAD 0.01%). This variant has not been reported in the literature in individuals affected with ANO5-related conditions. ClinVar contains an entry for this variant (Variation ID: 1982851). Experimental studies and prediction algorithms are not available or were not evaluated, and the functional significance of this variant is currently unknown. In summary, the available evidence is currently insufficient to determine the role of this variant in disease. Therefore, it has been classified as a Variant of Uncertain Significance.